The following is an entry in ClinVar:

ClinVar aggregate classification (germline): Likely pathogenic (1 of 4 stars; one submission).

Conditions:
PCNT-related disorder. Also called: PCNT-related condition.

Submission:

PreventionGenetics, part of Exact Sciences
Classification: Likely pathogenic for PCNT-related condition. Last evaluated: 2026-02-11. Review status: criteria provided, single submitter. Criteria: ACMG Guidelines, 2015. Collection method: clinical testing. Allele origin: germline.
Comment: The PCNT c.1594A>T variant is predicted to result in premature protein termination (p.Lys532*). To our knowledge, this variant has not been reported in the literature or in a large population database (gnomAD), indicating this variant is rare. Nonsense variants in PCNT are expected to be pathogenic. This variant is interpreted as likely pathogenic.

NM_006031.6(PCNT):c.1594A>T (p.Lys532Ter)

Gene: PCNT (pericentrin; plus strand). Cytogenetic location: 21q22.3.
Variant type: single nucleotide variant.
Coding change: c.1594A>T on transcript NM_006031.6 (MANE Select); coding-DNA position 1594, A replaced by T.
Protein change: p.Lys532Ter; replaces lysine 532 with a stop codon.
Molecular consequence: nonsense.
Genome position (GRCh38, 1-based): chr21:46,353,241, A>T. VCF-style: chr21-46353241-A-T. GRCh37 (hg19) VCF-style: chr21-47773155-A-T.
Other names: c.1240A>T, p.Lys414Ter (NM_001315529.2); short protein forms K414*, K532*.
Identifiers: ClinVar variation 4994964 (VCV004994964.1).